The following is an entry in ClinVar:

NM_005862.3(STAG1):c.136A>G (p.Thr46Ala)

Gene: STAG1 (STAG1 cohesin complex component; minus strand). Cytogenetic location: 3q22.3.
Variant type: single nucleotide variant.
Coding change: c.136A>G on transcript NM_005862.3 (MANE Select); coding-DNA position 136, A replaced by G.
Protein change: p.Thr46Ala; replaces threonine 46 with alanine.
Molecular consequence: missense variant.
Genome position (GRCh38, 1-based): chr3:136,604,470, T>C on the plus strand (A>G on the coding strand, the complement: STAG1 is on the minus strand). VCF-style: chr3-136604470-T-C. GRCh37 (hg19) VCF-style: chr3-136323312-T-C.
Other names: short protein forms T46A.
Identifiers: ClinVar variation 2795642 (VCV002795642.3), dbSNP rs368463027, ClinGen allele CA2633273.

ClinVar aggregate classification (germline): Uncertain significance (1 of 4 stars; one submission).

Allele frequency attached by ClinVar (database versions not stated): ExAC 0.00001; gnomAD exomes 0.00001; ESP Exome Variant Server 0.00008.
gnomAD v4.1: 4 of 1,588,276 alleles (0.00025%); highest among the groups gnomAD compares: South Asian, 0.0047%; no homozygotes.

Submission:

Labcorp Genetics (formerly Invitae), Labcorp
Classification: Uncertain significance. Last evaluated: 2022-11-28. Review status: criteria provided, single submitter. Criteria: Invitae Variant Classification Sherloc (09022015). Collection method: clinical testing. Allele origin: germline.
Comment: This sequence change replaces threonine, which is neutral and polar, with alanine, which is neutral and non-polar, at codon 46 of the STAG1 protein (p.Thr46Ala). This variant is present in population databases (rs368463027, gnomAD 0.007%). This variant has not been reported in the literature in individuals affected with STAG1-related conditions. Advanced modeling of protein sequence and biophysical properties (such as structural, functional, and spatial information, amino acid conservation, physicochemical variation, residue mobility, and thermodynamic stability) performed at Invitae indicates that this missense variant is not expected to disrupt STAG1 protein function. In summary, the available evidence is currently insufficient to determine the role of this variant in disease. Therefore, it has been classified as a Variant of Uncertain Significance.